The following is an entry in ClinVar:

NM_182972.3(IRF2BP2):c.1618C>T (p.Gln540Ter)

Gene: IRF2BP2 (interferon regulatory factor 2 binding protein 2; minus strand). Cytogenetic location: 1q42.3.
Variant type: single nucleotide variant.
Coding change: c.1618C>T on transcript NM_182972.3 (MANE Select); coding-DNA position 1618, C replaced by T.
Protein change: p.Gln540Ter; replaces glutamine 540 with a stop codon.
Molecular consequence: nonsense.
Genome position (GRCh38, 1-based): chr1:234,607,283, G>A on the plus strand (C>T on the coding strand, the complement: IRF2BP2 is on the minus strand). VCF-style: chr1-234607283-G-A. GRCh37 (hg19) VCF-style: chr1-234743029-G-A.
Other names: c.1570C>T, p.Gln524Ter (NM_001077397.1); short protein forms Q540*, Q524*.
Identifiers: ClinVar variation 2007232 (VCV002007232.4), dbSNP rs2528513225, ClinGen allele CA345305102.

ClinVar aggregate classification (germline): Conflicting classifications of pathogenicity. Review status: criteria provided, conflicting classifications (1 of 4 stars). 2 submissions from 2 submitters: Likely pathogenic (1); Uncertain significance (1). Last evaluated 2026-04-01.

Conditions:
Immunodeficiency, common variable, 14. Identifiers: Orphanet 696904, MedGen C4540380, MONDO:0054691, OMIM 617765.

Submissions (2):

Centre for Medical Genetics,  Mumbai
Classification: Likely pathogenic for Immunodeficiency, common variable, 14. Last evaluated: 2026-04-01. Review status: criteria provided, single submitter. Criteria: ACMG Guidelines, 2015. Collection method: provider interpretation. Allele origin: germline. Inheritance: Autosomal dominant inheritance. Affected: yes. Observed: 1 variant allele, 1 heterozygote.
Comment: The variant satisfies following ACMG criteria PVS1: pathogenic very strong: Null variant in a gene where loss of function is a known mechanism of disease, Predicted to undergo nonsense mediated decay of RNA, not located in last exon or last 50 base pair of last exon PS2: pathogenic strong- De novo (both maternity and paternity confirmed) in a patient with the disease and no family history PM2: pathogenic Moderate: Extremely low frequency (absent) in gnomAD population database

Labcorp Genetics (formerly Invitae), Labcorp
Classification: Uncertain significance. Last evaluated: 2025-08-21. Review status: criteria provided, single submitter. Criteria: Invitae Variant Classification Sherloc (09022015). Collection method: clinical testing. Allele origin: germline.
Comment: This sequence change creates a premature translational stop signal (p.Gln540*) in the IRF2BP2 gene. While this is not anticipated to result in nonsense mediated decay, it is expected to disrupt the last 48 amino acid(s) of the IRF2BP2 protein. This variant is not present in population databases (gnomAD no frequency). This premature translational stop signal has been observed in individual(s) with clinical features of common variable immunodeficiency (PMID: 36193988, 40090425). ClinVar contains an entry for this variant (Variation ID: 2007232). Experimental studies and prediction algorithms are not available or were not evaluated, and the functional significance of this variant is currently unknown. In summary, the available evidence is currently insufficient to determine the role of this variant in disease. Therefore, it has been classified as a Variant of Uncertain Significance.

Literature cited by the submitters: PubMed 27016798 (cited by Centre for Medical Genetics,  Mumbai); PubMed 36193988 (cited by Labcorp Genetics (formerly Invitae), Labcorp); PubMed 40090425 (cited by Labcorp Genetics (formerly Invitae), Labcorp).